The following is an entry in ClinVar:

NM_004035.7(ACOX1):c.658+4A>G

Gene: ACOX1 (acyl-CoA oxidase 1; minus strand). Cytogenetic location: 17q25.1.
Variant type: single nucleotide variant.
Coding change: c.658+4A>G on transcript NM_004035.7 (MANE Select); 4 bases into the intron after coding-DNA position 658, A replaced by G.
Molecular consequence: intron variant.
Genome position (GRCh38, 1-based): chr17:75,955,824, T>C on the plus strand (A>G on the coding strand, the complement: ACOX1 is on the minus strand). VCF-style: chr17-75955824-T-C. GRCh37 (hg19) VCF-style: chr17-73951905-T-C.
Other names: c.658+4A>G (NM_007292.6); c.544+4A>G (NM_001185039.2).
Identifiers: ClinVar variation 325388 (VCV000325388.7), dbSNP rs886053458, ClinGen allele CA10650238.

ClinVar aggregate classification (germline): Uncertain significance. Review status: criteria provided, multiple submitters, no conflicts (2 of 4 stars). 2 submissions from 2 submitters: Uncertain significance (2). Last evaluated 2025-08-12.

Conditions:
Acyl-CoA oxidase deficiency. Also called: STRAIGHT-CHAIN ACYL-CoA OXIDASE DEFICIENCY; Pseudoneonatal adrenoleukodystrophy; Peroxisomal acyl-CoA oxidase deficiency. Identifiers: Orphanet 2971, MedGen C1849678, MONDO:0009919, OMIM 264470. Disease mechanism: loss of function.

Allele frequency attached by ClinVar (database versions not stated): gnomAD exomes below 0.00001.
gnomAD v4.1: 2 of 1,614,164 alleles (0.00012%); highest among the groups gnomAD compares: East Asian, 0.0022%; no homozygotes.

Submissions (2):

Labcorp Genetics (formerly Invitae), Labcorp
Classification: Uncertain significance for Acyl-CoA oxidase deficiency. Last evaluated: 2025-08-12. Review status: criteria provided, single submitter. Criteria: Invitae Variant Classification Sherloc (09022015). Collection method: clinical testing. Allele origin: germline.
Comment: This sequence change falls in intron 5 of the ACOX1 gene. It does not directly change the encoded amino acid sequence of the ACOX1 protein. It affects a nucleotide within the consensus splice site. This variant is not present in population databases (gnomAD no frequency). This variant has not been reported in the literature in individuals affected with ACOX1-related conditions. ClinVar contains an entry for this variant (Variation ID: 325388). Variants that disrupt the consensus splice site are a relatively common cause of aberrant splicing (PMID: 17576681, 9536098). Algorithms developed to predict the effect of sequence changes on RNA splicing suggest that this variant is not likely to affect RNA splicing. In summary, the available evidence is currently insufficient to determine the role of this variant in disease. Therefore, it has been classified as a Variant of Uncertain Significance.

Illumina Laboratory Services, Illumina
Classification: Uncertain significance for Acyl-CoA oxidase deficiency. Last evaluated: 2018-01-12. Review status: criteria provided, single submitter. Criteria: ICSL Variant Classification Criteria 13 December 2019. Collection method: clinical testing. Allele origin: germline.

Literature cited by the submitters: PubMed 17576681 (cited by Labcorp Genetics (formerly Invitae), Labcorp); PubMed 9536098 (cited by Labcorp Genetics (formerly Invitae), Labcorp).